The following is an entry in ClinVar:

ClinVar aggregate classification (germline): Conflicting classifications of pathogenicity. Review status: criteria provided, conflicting classifications (1 of 4 stars). 15 submissions from 15 submitters: Uncertain significance (7); Likely benign (4). 4 of the submissions do not count toward it. Last evaluated 2025-08-30.

Conditions:
Hereditary cancer-predisposing syndrome. Also called: Hereditary Cancer Syndrome; Tumor predisposition; Neoplastic Syndromes, Hereditary; Hereditary neoplastic syndrome. Identifiers: Orphanet 140162, MedGen C0027672, MeSH D009386, MONDO:0015356.
Hereditary breast ovarian cancer syndrome. Also called: Breast and ovarian cancer; BRCA1- and BRCA2-Associated Hereditary Breast and Ovarian Cancer; Hereditary breast and ovarian cancer; Hereditary breast and ovarian cancer syndrome (HBOC); Hereditary breast and ovarian cancer syndrome; Hereditary breast and/or ovarian cancer syndrome. Identifiers: Orphanet 145, MedGen C0677776, MeSH D061325, MONDO:0003582. Disease mechanism: loss of function.
Breast-ovarian cancer, familial, susceptibility to, 2 (BROVCA2). Also called: BRCA2 Hereditary Breast and Ovarian Cancer. Identifiers: Orphanet 145, MedGen C2675520, MONDO:0012933, OMIM 612555. Disease mechanism: loss of function.

Allele frequency attached by ClinVar (database versions not stated): gnomAD exomes 0.00001 and below 0.00001; TOPMed 0.00002; ExAC 0.00001; gnomAD 0.00001.
gnomAD v4.1: 15 of 1,611,124 alleles (0.00093%); highest among the groups gnomAD compares: East Asian, 0.0067%; no homozygotes.

Submissions (15):

Labcorp Genetics (formerly Invitae), Labcorp
Classification: Likely benign for Hereditary breast ovarian cancer syndrome. Last evaluated: 2025-08-30. Review status: criteria provided, single submitter. Criteria: Invitae Variant Classification Sherloc (09022015). Collection method: clinical testing. Allele origin: germline.

Dasa
Classification: Uncertain significance for Breast-ovarian cancer, familial, susceptibility to, 2. Last evaluated: 2025-04-24. Review status: criteria provided, single submitter. Criteria: DASA Assertion Criteria. Collection method: clinical testing. Allele origin: germline.
Comment: NM_000059.4(BRCA2):c.1343G>A (p.Arg448His) is a missense variant that results in the substitution of arginine with histidine. This variant is rare in population databases. The currently available literature and clinical evidence are not sufficient to establish a definitive association between this variant and the reported condition. Therefore, this variant is classified as a variant of uncertain significance.

Color Diagnostics, LLC DBA Color Health
Classification: Uncertain significance for Hereditary cancer-predisposing syndrome. Last evaluated: 2025-03-04. Review status: criteria provided, single submitter. Criteria: ACMG Guidelines, 2015. Collection method: clinical testing. Allele origin: germline.
Comment: This missense variant replaces arginine with histidine at codon 448 of the BRCA2 protein. Computational prediction suggests that this variant may not impact protein structure and function. To our knowledge, functional studies have not been reported for this variant. The variant has been reported in two individuals with personal and/or family history of BRCA-related cancer (PMID: 15026808, 35753294). This variant also has been detected in a breast cancer case-control meta-analysis in 0/60466 cases and 1/53461 unaffected individuals (PMID: 33471991; Leiden Open Variation Database DB-ID BRCA2_001845), and in a breast cancer case-control study in 3/11241 female and 3/12490 male unaffected individuals and absent in 7051 female breast cancer cases (PMID: 30287823). This variant has been identified in 1/248242 chromosomes in the general population by the Genome Aggregation Database (gnomAD). The available evidence is insufficient to determine the role of this variant in disease conclusively. Therefore, this variant is classified as a Variant of Uncertain Significance.

CeGaT Center for Human Genetics Tuebingen
Classification: Likely benign. Last evaluated: 2025-03-01. Review status: criteria provided, single submitter. Criteria: CeGaT Center For Human Genetics Tuebingen Variant Classification Criteria Version 2. Collection method: clinical testing. Allele origin: germline. Affected: yes. Observed: 1 variant allele.
Comment: BRCA2: BP1, BP4

All of Us Research Program, National Institutes of Health
Classification: Uncertain significance for Breast-ovarian cancer, familial, susceptibility to, 2. Last evaluated: 2023-04-10. Review status: criteria provided, single submitter. Criteria: ACMG Guidelines, 2015. Collection method: clinical testing. Allele origin: germline. Inheritance: Autosomal dominant inheritance. Observed: 2 variant alleles, 2 heterozygotes.
Comment: This missense variant replaces arginine with histidine at codon 448 of the BRCA2 protein. Computational prediction suggests that this variant may not impact protein structure and function (internally defined REVEL score threshold <= 0.5, PMID: 27666373). To our knowledge, functional studies have not been reported for this variant. This variant has been reported in one suspected hereditary breast and ovarian cancer family (PMID: 15026808) and in a prostate cancer case-control study in 2/7636 cases and 3/12366 unaffected individuals (PMID: 31214711). This variant also has been reported in breast and pancreatic cancer case-control studies in which this variant was detected only in unaffected individuals and was absent in cancer cases (PMID: 30287823, 32980694, 33471991). This variant has been identified in 1/248242 chromosomes in the general population by the Genome Aggregation Database (gnomAD). The available evidence is insufficient to determine the role of this variant in disease conclusively. Therefore, this variant is classified as a Variant of Uncertain Significance.

This study involves interpretation of variants in research participants for the purpose of population health screening. Participant phenotype was not available at the time of variant classification. Additional details can be found in publication PMID: 35346344, PMCID: PMC8962531

University of Washington Department of Laboratory Medicine, University of Washington
Classification: Likely benign for Hereditary cancer-predisposing syndrome. Last evaluated: 2023-03-23. Review status: criteria provided, single submitter. Criteria: Dines et al. (Genet Med. 2020). Collection method: curation. Allele origin: germline.
Comment: Missense variant in a coldspot region where missense variants are very unlikely to be pathogenic (PMID:31911673).

BRCA2 exon 10 coldspot. Reclassification based on statistical prior probability.

Quest Diagnostics Nichols Institute San Juan Capistrano
Classification: Uncertain significance. Last evaluated: 2022-11-23. Review status: criteria provided, single submitter. Criteria: Quest Diagnostics criteria. Collection method: clinical testing. Allele origin: unknown.
Comment: The frequency of this variant in the general population, 0.000004 (1/248242 chromosomes), is uninformative in assessment of its pathogenicity. In the published literature, the variant has been reported in individuals with a personal and/or family history of breast cancer (PMIDs: 15026808 (2004), 31853058 (2020), 35753294 (2022)) and prostate cancer (PMID: 31214711 (2020)). The variant has also been reported in healthy individuals (PMIDs: 30287823 (2018), 30630528 (2019), 31214711 (2020), 33471991 (2021)). Analysis of this variant using bioinformatics tools for the prediction of the effect of amino acid changes on protein structure and function yielded predictions that this variant is benign. Based on the available information, we are unable to determine the clinical significance of this variant.

GeneDx
Classification: Uncertain significance. Last evaluated: 2021-06-16. Review status: criteria provided, single submitter. Criteria: GeneDx Variant Classification Process June 2021. Collection method: clinical testing. Allele origin: germline. Affected: yes.
Comment: Not observed at significant frequency in large population cohorts (Lek 2016); In silico analysis supports that this missense variant does not alter protein structure/function; Also known as 1571G>A; Observed in individuals with breast or ovarian cancer, but also in healthy controls (Claes 2004, Momozawa 2018, Peixoto 2020); This variant is associated with the following publications: (PMID: 30287823, 15026808, 18403564, 27535533, 31131967, 32850417)

Women's Health and Genetics/Laboratory Corporation of America, LabCorp
Classification: Uncertain significance. Last evaluated: 2019-10-10. Review status: criteria provided, single submitter. Criteria: LabCorp Variant Classification Summary - May 2015. Collection method: clinical testing. Allele origin: germline.
Comment: Variant summary: BRCA2 c.1343G>A (p.Arg448His) results in a non-conservative amino acid change in the encoded protein sequence. Four of five in-silico tools predict a benign effect of the variant on protein function. The variant allele was found at a frequency of 2.4e-05 in 295704 control chromosomes (gnomAD and publication). The available data on variant occurrences in the general population are insufficient to allow any conclusion about variant significance. c.1343G>A has been reported in the literature in a family affected with breast cancer (Claes_2004). This report does not provide unequivocal conclusions about association of the variant with Hereditary Breast and Ovarian Cancer. Another study (Momozawa_2018) did not detect the variant in any of the breast cancer patients analyzed but detected it at a frequency of 0.00013 in controls who were 60 years old or over and did not have past history nor family history of cancers. A co-occurrence with a pathogenic variant has been reported (BRCA1 c.2934T>G, p.Tyr978X; BIC database), providing supporting evidence for a benign role. To our knowledge, no experimental evidence demonstrating an impact on protein function has been reported. Four ClinVar submitters (evaluation after 2014) cite the variant as uncertain significance (n=3) and once as likely benign. Based on the evidence outlined above, the variant was classified as uncertain significance.

Mendelics
Classification: Uncertain significance for Breast-ovarian cancer, familial, susceptibility to, 2. Last evaluated: 2019-05-28. Review status: criteria provided, single submitter. Criteria: Mendelics Assertion Criteria 2017. Collection method: clinical testing. Allele origin: unknown.

Ambry Genetics
Classification: Likely benign for Hereditary cancer-predisposing syndrome. Last evaluated: 2018-02-28. Review status: criteria provided, single submitter. Criteria: Ambry Variant Classification Scheme 2023. Collection method: clinical testing. Allele origin: germline.

Counsyl
Classification: Uncertain significance for Breast-ovarian cancer, familial, susceptibility to, 2. Last evaluated: 2017-08-18. Review status: no assertion criteria provided. Collection method: clinical testing. Allele origin: unknown. Not counted in ClinVar's aggregate classification.

Breast Cancer Information Core (BIC) (BRCA2)
Classification: Uncertain significance for Breast-ovarian cancer, familial 2. Last evaluated: 2004-02-20. Review status: no assertion criteria provided. Collection method: clinical testing. Allele origin: germline. Affected: yes. Observed: 4 variant alleles. Not counted in ClinVar's aggregate classification.

Clinical Genetics DNA and cytogenetics Diagnostics Lab, Erasmus MC, Erasmus Medical Center
Classification: Likely benign. Review status: no assertion criteria provided. Collection method: clinical testing. Allele origin: germline. Affected: yes. Study: VKGL Data-share Consensus. Not counted in ClinVar's aggregate classification.

Joint Genome Diagnostic Labs from Nijmegen and Maastricht, Radboudumc and MUMC+
Classification: Likely benign. Review status: no assertion criteria provided. Collection method: clinical testing. Allele origin: germline. Affected: yes. Study: VKGL Data-share Consensus. Not counted in ClinVar's aggregate classification.

Literature cited by the submitters: PubMed 15026808 (cited by 6 submitters); PubMed 30287823 (cited by 4 submitters); PubMed 33471991 (cited by 3 submitters); PubMed 35753294 (cited by Color Diagnostics, LLC DBA Color Health and Quest Diagnostics Nichols Institute San Juan Capistrano); PubMed 31214711 (cited by All of Us Research Program, National Institutes of Health and Quest Diagnostics Nichols Institute San Juan Capistrano); PubMed 32980694 (cited by All of Us Research Program, National Institutes of Health); PubMed 30630528 (cited by Quest Diagnostics Nichols Institute San Juan Capistrano); PubMed 32377563 (cited by Quest Diagnostics Nichols Institute San Juan Capistrano); PubMed 31853058 (cited by Quest Diagnostics Nichols Institute San Juan Capistrano); PubMed 18403564 (cited by Women's Health and Genetics/Laboratory Corporation of America, LabCorp).

NM_000059.4(BRCA2):c.1343G>A (p.Arg448His)

Gene: BRCA2 (BRCA2 DNA repair associated; plus strand). Cytogenetic location: 13q13.1.
Variant type: single nucleotide variant.
Coding change: c.1343G>A on transcript NM_000059.4 (MANE Select); coding-DNA position 1343, G replaced by A.
Protein change: p.Arg448His; replaces arginine 448 with histidine.
Molecular consequence: missense variant.
Genome position (GRCh38, 1-based): chr13:32,332,821, G>A. VCF-style: chr13-32332821-G-A. GRCh37 (hg19) VCF-style: chr13-32906958-G-A.
Other names: short protein forms R448H.
Identifiers: ClinVar variation 51106 (VCV000051106.40), dbSNP rs80358423, ClinGen allele CA011692.